The following is an entry in ClinVar:

NM_001376.5(DYNC1H1):c.8389C>G (p.Arg2797Gly)

Gene: DYNC1H1 (dynein cytoplasmic 1 heavy chain 1; plus strand). Cytogenetic location: 14q32.31.
Variant type: single nucleotide variant.
Coding change: c.8389C>G on transcript NM_001376.5 (MANE Select); coding-DNA position 8389, C replaced by G.
Protein change: p.Arg2797Gly; replaces arginine 2797 with glycine.
Molecular consequence: missense variant.
Genome position (GRCh38, 1-based): chr14:102,019,938, C>G. VCF-style: chr14-102019938-C-G. GRCh37 (hg19) VCF-style: chr14-102486275-C-G.
Other names: short protein forms R2797G.
Identifiers: ClinVar variation 1717969 (VCV001717969.5), dbSNP rs2503781186, ClinGen allele CA391006528.

ClinVar aggregate classification (germline): Uncertain significance (1 of 4 stars; one submission).

Conditions:
Charcot-Marie-Tooth disease axonal type 2O. Also called: CHARCOT-MARIE-TOOTH NEUROPATHY, AXONAL, TYPE 2O; CHARCOT-MARIE-TOOTH DISEASE, AXONAL, AUTOSOMAL DOMINANT, TYPE 2O; Charcot-Marie-Tooth Neuropathy Type 2O; Charcot-Marie-Tooth disease, axonal, type 20. Identifiers: Orphanet 284232, MedGen C3280220, MONDO:0013644, OMIM 614228.

Submission:

Labcorp Genetics (formerly Invitae), Labcorp
Classification: Uncertain significance for Charcot-Marie-Tooth disease axonal type 2O. Last evaluated: 2022-11-08. Review status: criteria provided, single submitter. Criteria: Invitae Variant Classification Sherloc (09022015). Collection method: clinical testing. Allele origin: germline.
Comment: This sequence change replaces arginine, which is basic and polar, with glycine, which is neutral and non-polar, at codon 2797 of the DYNC1H1 protein (p.Arg2797Gly). This variant is not present in population databases (gnomAD no frequency). In summary, the available evidence is currently insufficient to determine the role of this variant in disease. Therefore, it has been classified as a Variant of Uncertain Significance. Algorithms developed to predict the effect of sequence changes on RNA splicing suggest that this variant may disrupt the consensus splice site. Advanced modeling of protein sequence and biophysical properties (such as structural, functional, and spatial information, amino acid conservation, physicochemical variation, residue mobility, and thermodynamic stability) performed at Invitae indicates that this missense variant is expected to disrupt DYNC1H1 protein function. This variant has not been reported in the literature in individuals affected with DYNC1H1-related conditions.